The following is an entry in ClinVar:

ClinVar aggregate classification (germline): Uncertain significance (1 of 4 stars; one submission).

Conditions:
Ornithine carbamoyltransferase deficiency (OTCD). Also called: ORNITHINE TRANSCARBAMYLASE DEFICIENCY; ORNITHINE TRANSCARBAMYLASE DEFICIENCY, HYPERAMMONEMIA DUE TO; OTC DEFICIENCY; Ornithine Carbamoyltransferase Deficiency Disease. Identifiers: Orphanet 664, MedGen C0268542, MONDO:0010703, OMIM 311250.

Allele frequency attached by ClinVar (database versions not stated): gnomAD exomes below 0.00001.

Submission:

All of Us Research Program, National Institutes of Health
Classification: Uncertain significance for Ornithine carbamoyltransferase deficiency. Last evaluated: 2023-05-16. Review status: criteria provided, single submitter. Criteria: ACMG Guidelines, 2015. Collection method: clinical testing. Allele origin: germline. Inheritance: X-linked inheritance. Observed: 1 variant allele, 1 heterozygote.
Comment: This variant causes a T to C nucleotide substition at the -143 position in the 5' untranslated region of the OTC gene. To our knowledge, functional studies have not been reported for this variant. This variant has not been reported in individuals affected with OTC-related disorders in the literature. This variant has not been identified in the general population by the Genome Aggregation Database (gnomAD). Different variants occurring in the 5' untranslated region of the OTC gene have been reported to be pathogenic (PMID: 29282796). The available evidence is insufficient to determine the role of this variant in disease conclusively. Therefore, this variant is classified as a Variant of Uncertain Significance.

This study involves interpretation of variants in research participants for the purpose of population health screening. Participant phenotype was not available at the time of variant classification. Additional details can be found in publication PMID: 35346344, PMCID: PMC8962531

Literature cited by the submitters: PubMed 29282796.

NC_000023.11:g.38352554T>C

Gene: OTC (ornithine transcarbamylase; plus strand). Cytogenetic location: Xp11.4.
Variant type: single nucleotide variant.
Molecular consequence: intron variant (on NM_001407092.1).
Genome position: GRCh38 VCF-style: chrX-38352554-T-C. GRCh37 (hg19) VCF-style: chrX-38211807-T-C.
Other names: c.-79-64T>C (NM_001407092.1).
Identifiers: ClinVar variation 3071198 (VCV003071198.1), dbSNP rs2519941666, ClinGen allele CA2693441851.